The following is an entry in ClinVar:

ClinVar aggregate classification (germline): Uncertain significance (1 of 4 stars; one submission).

Conditions:
Blau syndrome (BLAUS). Also called: ARTHROCUTANEOUVEAL GRANULOMATOSIS; GRANULOMATOSIS, FAMILIAL JUVENILE SYSTEMIC; GRANULOMATOSIS, FAMILIAL, BLAU TYPE; GRANULOMATOUS INFLAMMATORY ARTHRITIS, DERMATITIS, AND UVEITIS, FAMILIAL; JABS SYNDROME. Identifiers: Orphanet 90340, MedGen C5201146, MONDO:0008523, OMIM 186580.
Regional enteritis. Also called: Enteritis, Granulomatous. Identifiers: MedGen C0678202, MeSH D003424.

Submission:

Labcorp Genetics (formerly Invitae), Labcorp
Classification: Uncertain significance for Regional enteritis; Blau syndrome. Last evaluated: 2021-02-26. Review status: criteria provided, single submitter. Criteria: Invitae Variant Classification Sherloc (09022015). Collection method: clinical testing. Allele origin: germline.
Comment: In summary, the available evidence is currently insufficient to determine the role of this variant in disease. Therefore, it has been classified as a Variant of Uncertain Significance. Algorithms developed to predict the effect of sequence changes on RNA splicing suggest that this variant may create or strengthen a splice site, but this prediction has not been confirmed by published transcriptional studies. This sequence change replaces leucine with valine at codon 866 of the NOD2 protein (p.Leu866Val). The leucine residue is highly conserved and there is a small physicochemical difference between leucine and valine. This variant is not present in population databases (ExAC no frequency). This variant has not been reported in the literature in individuals with NOD2-related conditions. Advanced modeling of protein sequence and biophysical properties (such as structural, functional, and spatial information, amino acid conservation, physicochemical variation, residue mobility, and thermodynamic stability) performed at Invitae indicates that this missense variant is not expected to disrupt NOD2 protein function.

NM_001370466.1(NOD2):c.2515C>G (p.Leu839Val)

Gene: NOD2 (nucleotide binding oligomerization domain containing 2; plus strand). Cytogenetic location: 16q12.1.
Variant type: single nucleotide variant.
Coding change: c.2515C>G on transcript NM_001370466.1 (MANE Select); coding-DNA position 2515, C replaced by G.
Protein change: p.Leu839Val; replaces leucine 839 with valine.
Molecular consequence: missense variant. On other transcripts: non-coding transcript variant (1).
Genome position (GRCh38, 1-based): chr16:50,716,940, C>G. VCF-style: chr16-50716940-C-G. GRCh37 (hg19) VCF-style: chr16-50750851-C-G.
Other names: c.2515C>G, p.Leu839Val (NM_001293557.2); c.2596C>G, p.Leu866Val (NM_022162.3); short protein forms L839V, L866V.
Identifiers: ClinVar variation 1471225 (VCV001471225.8), dbSNP rs1000799073, ClinGen allele CA281269931.